The following is an entry in ClinVar:

NM_001371596.2(MFSD8):c.864-1G>A

Gene: MFSD8 (major facilitator superfamily domain containing 8; minus strand). Cytogenetic location: 4q28.2.
Variant type: single nucleotide variant.
Coding change: c.864-1G>A on transcript NM_001371596.2 (MANE Select); the canonical splice acceptor site of the intron before coding-DNA position 864, G replaced by A.
Molecular consequence: splice acceptor variant.
Genome position (GRCh38, 1-based): chr4:127,930,818, C>T on the plus strand (G>A on the coding strand, the complement: MFSD8 is on the minus strand). VCF-style: chr4-127930818-C-T. GRCh37 (hg19) VCF-style: chr4-128851973-C-T.
Other names: c.864-1G>A (NM_152778.2, NM_152778.4, NM_001371591.2 and 1 more transcripts); c.582-1G>A (NM_001371595.1); c.414-1G>A (NM_001410765.1); c.729-1G>A (NM_001371590.2); c.549-1G>A (NM_001363521.3); c.750-1G>A (NM_001410766.1, NM_001371593.2); c.663-1G>A (NM_001363520.3); c.717-1G>A (NM_001371594.2); and 1 more.
Identifiers: ClinVar variation 1067690 (VCV001067690.13), dbSNP rs571950296, ClinGen allele CA3077347.

ClinVar aggregate classification (germline): Pathogenic/Likely pathogenic. Review status: criteria provided, multiple submitters, no conflicts (2 of 4 stars). 6 submissions from 6 submitters: Pathogenic (1); Likely pathogenic (5). Last evaluated 2025-12-23.

Conditions:
Late-infantile neuronal ceroid lipofuscinosis. Also called: Jansky-Bielschowsky disease. Identifiers: MedGen C0022340, MONDO:0015674.
Neuronal ceroid lipofuscinosis 7 (CLN7). Also called: MFSD8-Related Neuronal Ceroid-Lipofuscinosis. Identifiers: Orphanet 168491, Orphanet 228366, MedGen C1838571, MONDO:0012588, OMIM 610951.
Macular dystrophy with central cone involvement (CCMD). Identifiers: MedGen C4015371, MONDO:0014515, OMIM 616170.
MFSD8-related disorders.

Allele frequency attached by ClinVar (database versions not stated): gnomAD exomes 0.00001; ExAC 0.00002; gnomAD 0.00002 and 0.00003; TOPMed 0.00002; 1000 Genomes Project 30x 0.00016; 1000 Genomes Project 0.00020.
gnomAD v4.1: 17 of 1,598,516 alleles (0.0011%); highest among the groups gnomAD compares: Admixed American, 0.0017%; no homozygotes.

Submissions (6):

Natera, Inc.
Classification: Likely pathogenic for Late-infantile neuronal ceroid lipofuscinosis. Last evaluated: 2025-12-23. Review status: criteria provided, single submitter. Criteria: Natera Variant Classification Schema (03/2026). Collection method: clinical testing. Allele origin: germline.
Comment: The c.864-1G>A variant in MFSD8 is a canonical splice acceptor site variant predicted to affect pre-mRNA splicing, which may result in an abnormal transcript and altered protein product. This variant is expected to result in nonsense mediated decay, truncation, or a dysfunctional protein product. This variant is rare in the general population with a frequency below the threshold expected for the associated phenotype(s). Given the available evidence, this variant is classified as Likely Pathogenic.

Labcorp Genetics (formerly Invitae), Labcorp
Classification: Likely pathogenic for Neuronal ceroid lipofuscinosis 7. Last evaluated: 2024-02-24. Review status: criteria provided, single submitter. Criteria: Invitae Variant Classification Sherloc (09022015). Collection method: clinical testing. Allele origin: germline.
Comment: This sequence change affects an acceptor splice site in intron 9 of the MFSD8 gene. It is expected to disrupt RNA splicing. Variants that disrupt the donor or acceptor splice site typically lead to a loss of protein function (PMID: 16199547), and loss-of-function variants in MFSD8 are known to be pathogenic (PMID: 19177532, 25227500, 28586915). This variant is present in population databases (rs571950296, gnomAD 0.005%). This variant has not been reported in the literature in individuals affected with MFSD8-related conditions. ClinVar contains an entry for this variant (Variation ID: 1067690). Algorithms developed to predict the effect of sequence changes on RNA splicing suggest that this variant may disrupt the consensus splice site. In summary, the currently available evidence indicates that the variant is pathogenic, but additional data are needed to prove that conclusively. Therefore, this variant has been classified as Likely Pathogenic.

Fulgent Genetics
Classification: Likely pathogenic for Neuronal ceroid lipofuscinosis 7; Macular dystrophy with central cone involvement. Last evaluated: 2024-01-04. Review status: criteria provided, single submitter. Criteria: ACMG Guidelines, 2015. Collection method: clinical testing. Allele origin: germline.

GeneDx
Classification: Likely pathogenic. Last evaluated: 2022-04-12. Review status: criteria provided, single submitter. Criteria: GeneDx Variant Classification Process June 2021. Collection method: clinical testing. Allele origin: germline. Affected: yes.
Comment: Canonical splice site variant expected to result in aberrant splicing, although in the absence of functional evidence the actual effect of this sequence change is unknown.; Not observed at significant frequency in large population cohorts (gnomAD); Has not been previously published as pathogenic or benign to our knowledge

Blueprint Genetics
Classification: Likely pathogenic for MFSD8-related disorders. Last evaluated: 2021-09-12. Review status: criteria provided, single submitter. Criteria: ACMG Guidelines, 2015. Collection method: clinical testing. Allele origin: germline. Affected: yes. Observed: 1 variant allele.

Unidad de Genómica Garrahan, Hospital de Pediatría Garrahan
Classification: Pathogenic for Neuronal ceroid lipofuscinosis 7. Last evaluated: 2018-11-20. Review status: criteria provided, single submitter. Criteria: ACMG Guidelines, 2015. Collection method: clinical testing. Allele origin: unknown. Affected: yes.
Comment: compound heterozygous

Literature cited by the submitters: PubMed 16199547 (cited by Labcorp Genetics (formerly Invitae), Labcorp); PubMed 19177532 (cited by Labcorp Genetics (formerly Invitae), Labcorp); PubMed 25227500 (cited by Labcorp Genetics (formerly Invitae), Labcorp); PubMed 28586915 (cited by Labcorp Genetics (formerly Invitae), Labcorp).